The following is an entry in ClinVar:

NM_017780.4(CHD7):c.2696A>G (p.Glu899Gly)

Gene: CHD7 (chromodomain helicase DNA binding protein 7; plus strand). Cytogenetic location: 8q12.2.
Variant type: single nucleotide variant.
Coding change: c.2696A>G on transcript NM_017780.4 (MANE Select); coding-DNA position 2696, A replaced by G.
Protein change: p.Glu899Gly; replaces glutamic acid 899 with glycine.
Molecular consequence: missense variant. On other transcripts: intron variant (1).
Genome position (GRCh38, 1-based): chr8:60,820,089, A>G. VCF-style: chr8-60820089-A-G. GRCh37 (hg19) VCF-style: chr8-61732648-A-G.
Other names: c.1716+39039A>G (NM_001316690.1); short protein forms E899G.
Identifiers: ClinVar variation 4855955 (VCV004855955.1).

ClinVar aggregate classification (germline): Uncertain significance (1 of 4 stars; one submission).

Conditions:
CHD7-related CHARGE syndrome. Identifiers: MedGen CN380413, MONDO:1010178, OMIM 214800.

Submission:

3billion
Classification: Uncertain significance for CHD7-related CHARGE syndrome. Last evaluated: 2025-06-09. Review status: criteria provided, single submitter. Criteria: ACMG Guidelines, 2015. Collection method: clinical testing. Allele origin: germline. Affected: yes.
Comment: The variant is not observed in the gnomAD v4.1.0 dataset. Predicted Consequence/Location: Missense variant In silico tool predictions suggest damaging effect of the variant on gene or gene product [REVEL: 0.74 (>=0.6, sensitivity 0.68 and specificity 0.92)]. Therefore, this variant is classified as VUS according to the recommendation of ACMG/AMP guideline.